The following is an entry in ClinVar:

NM_002519.3(NPAT):c.4084T>A (p.Ser1362Thr)

Gene: NPAT (nuclear protein, coactivator of histone transcription; minus strand). Cytogenetic location: 11q22.3.
Variant type: single nucleotide variant.
Coding change: c.4084T>A on transcript NM_002519.3 (MANE Select); coding-DNA position 4084, T replaced by A.
Protein change: p.Ser1362Thr; replaces serine 1362 with threonine.
Molecular consequence: missense variant.
Genome position (GRCh38, 1-based): chr11:108,161,002, A>T on the plus strand (T>A on the coding strand, the complement: NPAT is on the minus strand). VCF-style: chr11-108161002-A-T. GRCh37 (hg19) VCF-style: chr11-108031729-A-T.
Other names: c.4105T>A, p.Ser1369Thr (NM_001321307.1); short protein forms S1362T, S1369T.
Identifiers: ClinVar variation 3300706 (VCV003300706.1).

ClinVar aggregate classification (germline): Uncertain significance (1 of 4 stars; one submission).

gnomAD v4.1: 1 of 1,614,154 alleles (0.000062%); highest among the groups gnomAD compares: Non-Finnish European, 0.000085%; no homozygotes.

Submission:

Ambry Genetics
Classification: Uncertain significance. Last evaluated: 2024-06-01. Review status: criteria provided, single submitter. Criteria: Ambry Variant Classification Scheme 2023. Collection method: clinical testing. Allele origin: germline.
Comment: The p.S1362T variant (also known as c.4084T>A), located in coding exon 17 of the NPAT gene, results from a T to A substitution at nucleotide position 4084. The serine at codon 1362 is replaced by threonine, an amino acid with similar properties. This amino acid position is conserved. In addition, this alteration is predicted to be tolerated by in silico analysis. Based on the available evidence, the clinical significance of this variant remains unclear.